The following is an entry in ClinVar:

NM_001039348.3(EFEMP1):c.761-26_761-13del

Gene: EFEMP1 (EGF-like fibulin extracellular matrix protein 1; minus strand). Cytogenetic location: 2p16.1.
Variant type: Deletion.
Coding change: c.761-26_761-13del on transcript NM_001039348.3 (MANE Select); 26 bases into the intron before coding-DNA position 761 through 13 bases into the intron before coding-DNA position 761, 14 bases deleted (TATATATATATAAA).
Molecular consequence: intron variant.
Genome position (GRCh38, 1-based): chr2:55,876,755-55,876,768, TTTATATATATATA deleted on the plus strand (TATATATATATAAA on the coding strand, the reverse complement: EFEMP1 is on the minus strand); deleting any 14 consecutive bases within chr2:55,876,755-55,876,769 gives the same sequence; the c. name uses the placement nearest the transcript's 3' end. VCF-style (leftmost placement, unchanged base first): chr2-55876754-TTTTATATATATATA-T. GRCh37 (hg19) VCF-style: chr2-56103889-TTTTATATATATATA-T.
Other names: c.761-26_761-13del (NM_001039349.3).
Identifiers: ClinVar variation 3671785 (VCV003671785.2).

ClinVar aggregate classification (germline): Uncertain significance (1 of 4 stars; one submission).

Submission:

Labcorp Genetics (formerly Invitae), Labcorp
Classification: Uncertain significance. Last evaluated: 2025-02-27. Review status: criteria provided, single submitter. Criteria: Invitae Variant Classification Sherloc (09022015). Collection method: clinical testing. Allele origin: germline.
Comment: This sequence change falls in intron 7 of the EFEMP1 gene. It does not directly change the encoded amino acid sequence of the EFEMP1 protein. This variant is not present in population databases (gnomAD no frequency). This variant has not been reported in the literature in individuals affected with EFEMP1-related conditions. Experimental studies and prediction algorithms are not available or were not evaluated, and the effect of this variant on mRNA splicing is currently unknown. In summary, the available evidence is currently insufficient to determine the role of this variant in disease. Therefore, it has been classified as a Variant of Uncertain Significance.